The following is an entry in ClinVar:

NM_004366.6(CLCN2):c.633C>G (p.Ile211Met)

Gene: CLCN2 (chloride voltage-gated channel 2; minus strand). Cytogenetic location: 3q27.1.
Variant type: single nucleotide variant.
Coding change: c.633C>G on transcript NM_004366.6 (MANE Select); coding-DNA position 633, C replaced by G.
Protein change: p.Ile211Met; replaces isoleucine 211 with methionine.
Molecular consequence: missense variant.
Genome position (GRCh38, 1-based): chr3:184,357,839, G>C on the plus strand (C>G on the coding strand, the complement: CLCN2 is on the minus strand). VCF-style: chr3-184357839-G-C. GRCh37 (hg19) VCF-style: chr3-184075627-G-C.
Other names: c.633C>G (NM_004366.4); c.633C>G, p.Ile211Met (NM_001171087.3, NM_001171089.3); c.501C>G, p.Ile167Met (NM_001171088.3); short protein forms I211M, I167M.
Identifiers: ClinVar variation 2160914 (VCV002160914.6), dbSNP rs370199115, ClinGen allele CA2734418.

ClinVar aggregate classification (germline): Uncertain significance. Review status: criteria provided, multiple submitters, no conflicts (2 of 4 stars). 3 submissions from 3 submitters: Uncertain significance (3). Last evaluated 2025-10-29.

Conditions:
Leukoencephalopathy with mild cerebellar ataxia and white matter edema (LKPAT). Also called: CLCN2-Related Leukoencephalopathy; Leukoencephalopathy with ataxia; Leukoencephalopathy with white matter edema; Brain white matter edema. Identifiers: Orphanet 363540, MedGen C4554120, MONDO:0014292, OMIM 615651. Disease mechanism: loss of function.
Familial hyperaldosteronism type II. Also called: FH II. Identifiers: Orphanet 404, MedGen C1854107, MONDO:0011576, OMIM 605635.
Epilepsy, idiopathic generalized, susceptibility to, 11 (EIG11). Identifiers: Orphanet 307, MedGen C2750893, MONDO:0011875, OMIM 607628.
Inborn genetic diseases. Identifiers: MedGen C0950123, MeSH D030342.

gnomAD v4.1: 12 of 1,613,856 alleles (0.00074%); highest among the groups gnomAD compares: Admixed American, 0.02%; no homozygotes.

Submissions (3):

Labcorp Genetics (formerly Invitae), Labcorp
Classification: Uncertain significance. Last evaluated: 2025-10-29. Review status: criteria provided, single submitter. Criteria: Invitae Variant Classification Sherloc (09022015). Collection method: clinical testing. Allele origin: germline.
Comment: This sequence change replaces isoleucine, which is neutral and non-polar, with methionine, which is neutral and non-polar, at codon 211 of the CLCN2 protein (p.Ile211Met). This variant is present in population databases (rs370199115, gnomAD 0.03%). This variant has not been reported in the literature in individuals affected with CLCN2-related conditions. ClinVar contains an entry for this variant (Variation ID: 2160914). Invitae Evidence Modeling of protein sequence and biophysical properties (such as structural, functional, and spatial information, amino acid conservation, physicochemical variation, residue mobility, and thermodynamic stability) indicates that this missense variant is not expected to disrupt CLCN2 protein function with a negative predictive value of 80%. In summary, the available evidence is currently insufficient to determine the role of this variant in disease. Therefore, it has been classified as a Variant of Uncertain Significance.

Ambry Genetics
Classification: Uncertain significance for Inborn genetic diseases. Last evaluated: 2025-09-05. Review status: criteria provided, single submitter. Criteria: Ambry Variant Classification Scheme 2023. Collection method: clinical testing. Allele origin: germline.

Fulgent Genetics
Classification: Uncertain significance for Familial hyperaldosteronism type II; Epilepsy, idiopathic generalized, susceptibility to, 11; Leukoencephalopathy with mild cerebellar ataxia and white matter edema. Last evaluated: 2024-06-24. Review status: criteria provided, single submitter. Criteria: ACMG Guidelines, 2015. Collection method: clinical testing. Allele origin: germline.